The following is an entry in ClinVar:

NM_000540.3(RYR1):c.10506G>A (p.Arg3502=)

Gene: RYR1 (ryanodine receptor 1; plus strand). Cytogenetic location: 19q13.2.
Variant type: single nucleotide variant.
Coding change: c.10506G>A on transcript NM_000540.3 (MANE Select); coding-DNA position 10506, G replaced by A.
Protein change: p.Arg3502=; no amino-acid change (arginine 3502 retained).
Molecular consequence: synonymous variant.
Genome position (GRCh38, 1-based): chr19:38,525,382, G>A. VCF-style: chr19-38525382-G-A. GRCh37 (hg19) VCF-style: chr19-39016022-G-A.
Other names: c.10491G>A, p.Arg3497= (NM_001042723.2).
Identifiers: ClinVar variation 2713660 (VCV002713660.5), dbSNP rs2514477025, ClinGen allele CA507236402.
Genomic context (GRCh38, chr19:38,525,382, plus strand): 5'-GTCCCCACAGTCCGGTGGCTCGGACCAGGAACGCACCAAGAAGAAGCGCCGGGGGGACCG[G>A]TACTCTGTGCAGACGTCACTGATCGTGGCCACACTGAAGAAGATGCTGCCCATCGGCCTG-3'
Protein context (NP_000531.2, residues 3492-3512): ERTKKKRRGD[Arg3502=]YSVQTSLIVA

ClinVar aggregate classification (germline): Likely benign. Review status: criteria provided, multiple submitters, no conflicts (2 of 4 stars). 3 submissions from 3 submitters: Likely benign (3). Last evaluated 2023-08-25.

Conditions:
RYR1-related disorder. Also called: RYR1-related condition; RYR1-related disorders. Identifiers: MedGen CN239331.
Malignant hyperthermia, susceptibility to, 1 (MHS1). Also called: Malignant hyperthermia suceptibility 1; Anesthesia related hyperthermia; Malignant hyperpyrexia; Fulminating hyperpyrexia; Pharmacogenic myopathy; RYR1-Related Malignant Hyperthermia Susceptibility. Identifiers: Orphanet 423, MedGen C2930980, MONDO:0007783, OMIM 145600.

Allele frequency attached by ClinVar (database versions not stated): gnomAD exomes below 0.00001.
gnomAD v4.1: 2 of 1,614,004 alleles (0.00012%); highest among the groups gnomAD compares: East Asian, 0.0022%; no homozygotes.

Submissions (3):

Labcorp Genetics (formerly Invitae), Labcorp
Classification: Likely benign for RYR1-related disorder. Last evaluated: 2023-08-25. Review status: criteria provided, single submitter. Criteria: Invitae Variant Classification Sherloc (09022015). Collection method: clinical testing. Allele origin: germline.

All of Us Research Program, National Institutes of Health
Classification: Likely benign for Malignant hyperthermia, susceptibility to, 1. Last evaluated: 2023-08-15. Review status: criteria provided, single submitter. Criteria: ACMG Guidelines, 2015. Collection method: clinical testing. Allele origin: germline. Inheritance: Autosomal dominant inheritance. Observed: 1 variant allele, 1 heterozygote.
Comment: This study involves interpretation of variants in research participants for the purpose of population health screening. Participant phenotype was not available at the time of variant classification. Additional details can be found in publication PMID: 35346344, PMCID: PMC8962531

Color Diagnostics, LLC DBA Color Health
Classification: Likely benign for Malignant hyperthermia, susceptibility to, 1. Last evaluated: 2023-08-09. Review status: criteria provided, single submitter. Criteria: ACMG Guidelines, 2015. Collection method: clinical testing. Allele origin: germline.